The following is an entry in ClinVar:

NM_005445.4(SMC3):c.3349G>A (p.Gly1117Ser)

Gene: SMC3 (structural maintenance of chromosomes 3; plus strand). Cytogenetic location: 10q25.2.
Variant type: single nucleotide variant.
Coding change: c.3349G>A on transcript NM_005445.4 (MANE Select); coding-DNA position 3349, G replaced by A.
Protein change: p.Gly1117Ser; replaces glycine 1117 with serine.
Molecular consequence: missense variant.
Genome position (GRCh38, 1-based): chr10:110,602,876, G>A. VCF-style: chr10-110602876-G-A. GRCh37 (hg19) VCF-style: chr10-112362634-G-A.
Other names: short protein forms G1117S.
Identifiers: ClinVar variation 3252587 (VCV003252587.1), dbSNP rs2493149914.
Genomic context (GRCh38, chr10:110,602,876, plus strand): 5'-TATTTTTAGGTGTCATTTACAGGAAAACAAGGTGAAATGAGAGAAATGCAACAGCTTTCA[G>A]GTGGACAGAAATCCTTGGTAGCCCTTGCTCTGATTTTTGCCATTCAGAAATGTGACCCGG-3'
Protein context (NP_005436.1, residues 1107-1127): GEMREMQQLS[Gly1117Ser]GQKSLVALAL

ClinVar aggregate classification (germline): Pathogenic (1 of 4 stars; one submission).

Submission:

GeneDx
Classification: Pathogenic. Last evaluated: 2023-12-11. Review status: criteria provided, single submitter. Criteria: GeneDx Variant Classification Process June 2021. Collection method: clinical testing. Allele origin: germline. Affected: yes.
Comment: Not observed at significant frequency in large population cohorts (gnomAD); In silico analysis supports that this missense variant has a deleterious effect on protein structure/function; Has not been previously published as pathogenic or benign to our knowledge